The following is an entry in ClinVar:

NM_005591.4(MRE11):c.346C>T (p.Leu116Phe)

Gene: MRE11 (MRE11 double strand break repair nuclease; minus strand). Cytogenetic location: 11q21.
Variant type: single nucleotide variant.
Coding change: c.346C>T on transcript NM_005591.4 (MANE Select); coding-DNA position 346, C replaced by T.
Protein change: p.Leu116Phe; replaces leucine 116 with phenylalanine.
Molecular consequence: missense variant.
Genome position (GRCh38, 1-based): chr11:94,479,730, G>A on the plus strand (C>T on the coding strand, the complement: MRE11 is on the minus strand). VCF-style: chr11-94479730-G-A. GRCh37 (hg19) VCF-style: chr11-94212896-G-A.
Other names: c.346C>T, p.Leu116Phe (NM_001330347.2, NM_005590.4); short protein forms L116F.
Identifiers: ClinVar variation 186809 (VCV000186809.10), dbSNP rs767598349, ClinGen allele CA195930.
Genomic context (GRCh38, chr11:94,479,730, plus strand): 5'-TTACCCCTGTGGGATCGTCATGATTGCCATGAATACTAAACACTGGAATTGAAATGTTGA[G>A]GTTGCCATCTTGATAGTTCACCCATGGAAACCTTAAAAAAAAAAAGTTACTTAAAATTTC-3'
Protein context (NP_005582.1, residues 106-126): FPWVNYQDGN[Leu116Phe]NISIPVFSIH

ClinVar aggregate classification (germline): Uncertain significance. Review status: criteria provided, multiple submitters, no conflicts (2 of 4 stars). 2 submissions from 2 submitters: Uncertain significance (2). Last evaluated 2021-08-14.

Conditions:
Ataxia-telangiectasia-like disorder (ATLD). Identifiers: MedGen C1858391, MONDO:0011457.
Hereditary cancer-predisposing syndrome. Also called: Neoplastic Syndromes, Hereditary; Tumor predisposition; Hereditary Cancer Syndrome; Hereditary neoplastic syndrome. Identifiers: Orphanet 140162, MedGen C0027672, MeSH D009386, MONDO:0015356.

gnomAD v4.1: 6 of 1,612,870 alleles (0.00037%); highest among the groups gnomAD compares: Non-Finnish European, 0.00051%; no homozygotes.

Submissions (2):

Labcorp Genetics (formerly Invitae), Labcorp
Classification: Uncertain significance for Ataxia-telangiectasia-like disorder. Last evaluated: 2021-08-14. Review status: criteria provided, single submitter. Criteria: Invitae Variant Classification Sherloc (09022015). Collection method: clinical testing. Allele origin: germline.
Comment: This sequence change replaces leucine with phenylalanine at codon 116 of the MRE11 protein (p.Leu116Phe). The leucine residue is highly conserved and there is a small physicochemical difference between leucine and phenylalanine. This variant is not present in population databases (ExAC no frequency). This variant has not been reported in the literature in individuals affected with MRE11-related conditions. ClinVar contains an entry for this variant (Variation ID: 186809). Algorithms developed to predict the effect of missense changes on protein structure and function (SIFT, PolyPhen-2, Align-GVGD) all suggest that this variant is likely to be tolerated. In summary, the available evidence is currently insufficient to determine the role of this variant in disease. Therefore, it has been classified as a Variant of Uncertain Significance.

Ambry Genetics
Classification: Uncertain significance for Hereditary cancer-predisposing syndrome. Last evaluated: 2014-10-27. Review status: criteria provided, single submitter. Criteria: Ambry Variant Classification Scheme 2023. Collection method: clinical testing. Allele origin: germline.
Comment: The p.L116F variant (also known as c.346C>T), located in coding exon 4 of the MRE11A gene, results from a C to T substitution at nucleotide position 346. The leucine at codon 116 is replaced by phenylalanine, an amino acid with highly similar properties. This variant was not reported in population based cohorts in the following databases: Database of Single Nucleotide Polymorphisms (dbSNP), NHLBI Exome Sequencing Project (ESP), and 1000 Genomes Project. In the ESP, this variant was not observed in 6499 samples (12998 alleles) with coverage at this position. To date, this alteration has been detected with an allele frequency of approximately 0.005% (greater than 22000 alleles tested) in our clinical cohort. This amino acid position is highly conserved in available vertebrate species. In addition, this alteration is predicted to be possibly damaging and tolerated by PolyPhen and SIFT in silico analyses, respectively. Since supporting evidence is limited at this time, the clinical significance of p.L116F remains unclear.